The following is an entry in ClinVar:

ClinVar aggregate classification (germline): Uncertain significance (1 of 4 stars; one submission).

Allele frequency attached by ClinVar (database versions not stated): gnomAD exomes below 0.00001.
gnomAD v4.1: 2 of 1,613,986 alleles (0.00012%); highest among the groups gnomAD compares: Non-Finnish European, 0.00017%; no homozygotes.

Submission:

Labcorp Genetics (formerly Invitae), Labcorp
Classification: Uncertain significance. Last evaluated: 2020-01-10. Review status: criteria provided, single submitter. Criteria: Invitae Variant Classification Sherloc (09022015). Collection method: clinical testing. Allele origin: germline.
Comment: In summary, the available evidence is currently insufficient to determine the role of this variant in disease. Therefore, it has been classified as a Variant of Uncertain Significance. This sequence change replaces glutamine with arginine at codon 1275 of the ADGRV1 protein (p.Gln1275Arg). The glutamine residue is highly conserved and there is a small physicochemical difference between glutamine and arginine. This variant is not present in population databases (ExAC no frequency). This variant has not been reported in the literature in individuals with ADGRV1-related conditions. Algorithms developed to predict the effect of missense changes on protein structure and function are either unavailable or do not agree on the potential impact of this missense change (SIFT: "Deleterious"; PolyPhen-2: "Benign"; Align-GVGD: "Class C0").

NM_032119.4(ADGRV1):c.3824A>G (p.Gln1275Arg)

Gene: ADGRV1 (adhesion G protein-coupled receptor V1; plus strand). Cytogenetic location: 5q14.3.
Variant type: single nucleotide variant.
Coding change: c.3824A>G on transcript NM_032119.4 (MANE Select); coding-DNA position 3824, A replaced by G.
Protein change: p.Gln1275Arg; replaces glutamine 1275 with arginine.
Molecular consequence: missense variant. On other transcripts: non-coding transcript variant (1).
Genome position (GRCh38, 1-based): chr5:90,653,398, A>G. VCF-style: chr5-90653398-A-G. GRCh37 (hg19) VCF-style: chr5-89949215-A-G.
Other names: short protein forms Q1275R.
Identifiers: ClinVar variation 1026978 (VCV001026978.9), dbSNP rs1768923270, ClinGen allele CA360399221.